The following is an entry in ClinVar:

NM_000350.3(ABCA4):c.6178C>A (p.Leu2060Met)

Gene: ABCA4 (ATP binding cassette subfamily A member 4; minus strand). Cytogenetic location: 1p22.1.
Variant type: single nucleotide variant.
Coding change: c.6178C>A on transcript NM_000350.3 (MANE Select); coding-DNA position 6178, C replaced by A.
Protein change: p.Leu2060Met; replaces leucine 2060 with methionine.
Molecular consequence: missense variant.
Genome position (GRCh38, 1-based): chr1:94,001,962, G>T on the plus strand (C>A on the coding strand, the complement: ABCA4 is on the minus strand). VCF-style: chr1-94001962-G-T. GRCh37 (hg19) VCF-style: chr1-94467518-G-T.
Other names: c.5956C>A, p.Leu1986Met (NM_001425324.1); short protein forms L2060M, L1986M.
Identifiers: ClinVar variation 4745892 (VCV004745892.1).
Genomic context (GRCh38, chr1:94,001,962, plus strand): 5'-AGAGTTTCCGCTTGTTGCCCCCACTGTACGTGCCAGCCAGGCAGTCGGCGTAGACAGTCA[G>T]GCCCAGGCTCTTAATACTCCAGTTTGCAACCTAGGGAAGAGAAAGAAATGCCATTTGGAG-3'
Protein context (NP_000341.2, residues 2050-2070): VANWSIKSLG[Leu2060Met]TVYADCLAGT

ClinVar aggregate classification (germline): Likely pathogenic (1 of 4 stars; one submission).

Submission:

Labcorp Genetics (formerly Invitae), Labcorp
Classification: Likely pathogenic. Last evaluated: 2025-12-04. Review status: criteria provided, single submitter. Criteria: Invitae Variant Classification Sherloc (09022015). Collection method: clinical testing. Allele origin: germline.
Comment: This sequence change replaces leucine, which is neutral and non-polar, with methionine, which is neutral and non-polar, at codon 2060 of the ABCA4 protein (p.Leu2060Met). This variant is not present in population databases (gnomAD no frequency). This variant has not been reported in the literature in individuals affected with ABCA4-related conditions. Invitae Evidence Modeling of protein sequence and biophysical properties (such as structural, functional, and spatial information, amino acid conservation, physicochemical variation, residue mobility, and thermodynamic stability) indicates that this missense variant is expected to disrupt ABCA4 protein function with a positive predictive value of 95%. This variant disrupts the p.Leu2060 amino acid residue in ABCA4. Other variant(s) that disrupt this residue have been determined to be pathogenic (PMID: 11385708, 23755871, 27596865). This suggests that this residue is clinically significant, and that variants that disrupt this residue are likely to be disease-causing. In summary, the currently available evidence indicates that the variant is pathogenic, but additional data are needed to prove that conclusively. Therefore, this variant has been classified as Likely Pathogenic.

Literature cited by the submitters: PubMed 11385708; PubMed 23755871; PubMed 27596865.